The following is an entry in ClinVar:

ClinVar aggregate classification (germline): Uncertain significance (0 of 4 stars; one submission).

Conditions:
PLXNA2-related disorder. Also called: PLXNA2-related condition.

gnomAD v4.1: 13 of 1,614,126 alleles (0.00081%); highest among the groups gnomAD compares: Admixed American, 0.01%; no homozygotes.

Submission:

PreventionGenetics, part of Exact Sciences
Classification: Uncertain significance for PLXNA2-related condition. Last evaluated: 2024-04-09. Review status: no assertion criteria provided. Collection method: clinical testing. Allele origin: germline.
Comment: The PLXNA2 c.3961G>A variant is predicted to result in the amino acid substitution p.Ala1321Thr. To our knowledge, this variant has not been reported in the literature. This variant is reported in 0.012% of alleles in individuals of Latino descent in gnomAD. At this time, the clinical significance of this variant is uncertain due to the absence of conclusive functional and genetic evidence.

NM_025179.4(PLXNA2):c.3961G>A (p.Ala1321Thr)

Gene: PLXNA2 (plexin A2; minus strand). Cytogenetic location: 1q32.2.
Variant type: single nucleotide variant.
Coding change: c.3961G>A on transcript NM_025179.4 (MANE Select); coding-DNA position 3961, G replaced by A.
Protein change: p.Ala1321Thr; replaces alanine 1321 with threonine.
Molecular consequence: missense variant.
Genome position (GRCh38, 1-based): chr1:208,043,117, C>T on the plus strand (G>A on the coding strand, the complement: PLXNA2 is on the minus strand). VCF-style: chr1-208043117-C-T. GRCh37 (hg19) VCF-style: chr1-208216462-C-T.
Other names: short protein forms A1321T.
Identifiers: ClinVar variation 3354596 (VCV003354596.1).
Genomic context (GRCh38, chr1:208,043,117, plus strand): 5'-TTACCTCCAGCTCCCGCAGGACGGGGTGGTCCTCGATGCCCGGGAACAGGACTCGCATAG[C>T]GTAGGTACGATAGTCCAGGTAAGGGATTCCTGAGCGGTCCAGGTCACTGGTCAACTCATT-3'
Protein context (NP_079455.3, residues 1311-1331): GIPYLDYRTY[Ala1321Thr]MRVLFPGIED